The following is an entry in ClinVar:

NM_005633.4(SOS1):c.319G>A (p.Val107Ile)

Gene: SOS1 (SOS Ras/Rac guanine nucleotide exchange factor 1; minus strand). Cytogenetic location: 2p22.1.
Variant type: single nucleotide variant.
Coding change: c.319G>A on transcript NM_005633.4 (MANE Select); coding-DNA position 319, G replaced by A.
Protein change: p.Val107Ile; replaces valine 107 with isoleucine.
Molecular consequence: missense variant.
Genome position (GRCh38, 1-based): chr2:39,058,699, C>T on the plus strand (G>A on the coding strand, the complement: SOS1 is on the minus strand). VCF-style: chr2-39058699-C-T. GRCh37 (hg19) VCF-style: chr2-39285840-C-T.
Other names: c.298G>A, p.Val100Ile (NM_001382394.1); c.319G>A, p.Val107Ile (NM_001382395.1); short protein forms V100I, V107I.
Identifiers: ClinVar variation 1728771 (VCV001728771.2), dbSNP rs1235907251, ClinGen allele CA346373834.

ClinVar aggregate classification (germline): Uncertain significance (1 of 4 stars; one submission).

Conditions:
Cardiovascular phenotype. Identifiers: MedGen CN230736.

Submission:

Ambry Genetics
Classification: Uncertain significance for Cardiovascular phenotype. Last evaluated: 2021-06-25. Review status: criteria provided, single submitter. Criteria: Ambry Variant Classification Scheme 2023. Collection method: clinical testing. Allele origin: germline.
Comment: The p.V107I variant (also known as c.319G>A), located in coding exon 3 of the SOS1 gene, results from a G to A substitution at nucleotide position 319. The valine at codon 107 is replaced by isoleucine, an amino acid with highly similar properties. This amino acid position is well conserved in available vertebrate species. In addition, the in silico prediction for this alteration is inconclusive. Since supporting evidence is limited at this time, the clinical significance of this alteration remains unclear.